The following is an entry in ClinVar:

NM_018043.7(ANO1):c.2916C>T (p.Leu972=)

Gene: ANO1 (anoctamin 1; plus strand). Cytogenetic location: 11q13.3.
Variant type: single nucleotide variant.
Coding change: c.2916C>T on transcript NM_018043.7 (MANE Select); coding-DNA position 2916, C replaced by T.
Protein change: p.Leu972=; no amino-acid change (leucine 972 retained).
Molecular consequence: synonymous variant. On other transcripts: non-coding transcript variant (1).
Genome position (GRCh38, 1-based): chr11:70,187,959, C>T. VCF-style: chr11-70187959-C-T. GRCh37 (hg19) VCF-style: chr11-70034065-C-T.
Other names: c.3105C>T, p.Leu1035= (NM_001378092.1); c.2904C>T, p.Leu968= (NM_001378093.1, NM_001378094.2, NM_001378095.2); c.2826C>T, p.Leu942= (NM_001378096.2); c.2739C>T, p.Leu913= (NM_001378097.2).
Identifiers: ClinVar variation 782956 (VCV000782956.21), dbSNP rs61731870, ClinGen allele CA6158345.
Genomic context (GRCh38, chr11:70,187,959, plus strand): 5'-GCGGCAGAAGGACGAGCCGCCGTGCAACCACCACAACACCAAAGCCTGCCCAGACAGCCT[C>T]GGCAGCCCAGCCCCCAGCCATGCCTACCACGGGGGCGTCCTGTAGCTATGCCAGCGGGGC-3'
Protein context (NP_060513.5, residues 962-982): HHNTKACPDS[Leu972=]GSPAPSHAYH

ClinVar aggregate classification (germline): Benign/Likely benign. Review status: criteria provided, multiple submitters, no conflicts (2 of 4 stars). 3 submissions from 3 submitters: Benign (1); Likely benign (2). Last evaluated 2026-06-01.

Allele frequency attached by ClinVar (database versions not stated): 1000 Genomes Project 0.00160; 1000 Genomes Project 30x 0.00234; gnomAD exomes 0.00275; gnomAD 0.00296 and 0.00314; ESP Exome Variant Server 0.00310; TOPMed 0.00333; ExAC 0.00357.
gnomAD v4.1: 6,439 of 1,574,420 alleles (0.41%); highest among the groups gnomAD compares: Non-Finnish European, 0.49%; 19 homozygotes.

Submissions (3):

CeGaT Center for Human Genetics Tuebingen
Classification: Likely benign. Last evaluated: 2026-06-01. Review status: criteria provided, single submitter. Criteria: CeGaT Center For Human Genetics Tuebingen Variant Classification Criteria Version 2. Collection method: clinical testing. Allele origin: germline. Affected: yes. Observed: 12 variant alleles.
Comment: ANO1: BP4, BP7, BS2

Blueprint Genetics
Classification: Likely benign. Last evaluated: 2024-11-27. Review status: criteria provided, single submitter. Criteria: ACMG Guidelines, 2015. Collection method: clinical testing. Allele origin: germline.

Labcorp Genetics (formerly Invitae), Labcorp
Classification: Benign. Last evaluated: 2018-08-29. Review status: criteria provided, single submitter. Criteria: Invitae Variant Classification Sherloc (09022015). Collection method: clinical testing. Allele origin: germline.